The following is an entry in ClinVar:

NM_002109.6(HARS1):c.522+3G>A

Gene: HARS1 (histidyl-tRNA synthetase 1; minus strand). Cytogenetic location: 5q31.3.
Variant type: single nucleotide variant.
Coding change: c.522+3G>A on transcript NM_002109.6 (MANE Select); 3 bases into the intron after coding-DNA position 522, G replaced by A.
Molecular consequence: intron variant.
Genome position (GRCh38, 1-based): chr5:140,678,999, C>T on the plus strand (G>A on the coding strand, the complement: HARS1 is on the minus strand). VCF-style: chr5-140678999-C-T. GRCh37 (hg19) VCF-style: chr5-140058584-C-T.
Other names: c.435+3G>A (NM_001289094.2); c.181-984G>A (NM_001289093.2); c.342+63G>A (NM_001258042.3); c.402+3G>A (NM_001258040.3); c.301-984G>A (NM_001289092.2); c.462+63G>A (NM_001258041.3).
Identifiers: ClinVar variation 4085178 (VCV004085178.8).

ClinVar aggregate classification (germline): Uncertain significance (1 of 4 stars; one submission).

gnomAD v4.1: 1 of 1,613,688 alleles (0.000062%); no homozygotes.

Submission:

CeGaT Center for Human Genetics Tuebingen
Classification: Uncertain significance. Last evaluated: 2025-06-01. Review status: criteria provided, single submitter. Criteria: CeGaT Center For Human Genetics Tuebingen Variant Classification Criteria Version 2. Collection method: clinical testing. Allele origin: germline. Affected: yes. Observed: 1 variant allele.
Comment: HARS1: PM2, BP4